The following is an entry in ClinVar:

ClinVar aggregate classification (germline): Uncertain significance (1 of 4 stars; one submission).

Conditions:
Joubert syndrome 21 (JBTS21). Identifiers: MedGen C3810212, MONDO:0014288, OMIM 615636.

Allele frequency attached by ClinVar (database versions not stated): ExAC 0.00001; gnomAD 0.00001; TOPMed 0.00001.
gnomAD v4.1: 7 of 1,554,304 alleles (0.00045%); highest among the groups gnomAD compares: South Asian, 0.0022%; no homozygotes.

Submission:

Labcorp Genetics (formerly Invitae), Labcorp
Classification: Uncertain significance for Joubert syndrome 21. Last evaluated: 2022-04-12. Review status: criteria provided, single submitter. Criteria: Invitae Variant Classification Sherloc (09022015). Collection method: clinical testing. Allele origin: germline.
Comment: In summary, the available evidence is currently insufficient to determine the role of this variant in disease. Therefore, it has been classified as a Variant of Uncertain Significance. Algorithms developed to predict the effect of missense changes on protein structure and function output the following: SIFT: "Tolerated"; PolyPhen-2: "Benign"; Align-GVGD: "Class C0". The serine amino acid residue is found in multiple mammalian species, which suggests that this missense change does not adversely affect protein function. This variant has not been reported in the literature in individuals affected with CSPP1-related conditions. This variant is present in population databases (rs777179827, gnomAD 0.007%). This sequence change replaces proline, which is neutral and non-polar, with serine, which is neutral and polar, at codon 352 of the CSPP1 protein (p.Pro352Ser).

NM_001382391.1(CSPP1):c.1027C>T (p.Pro343Ser)

Gene: CSPP1 (centrosome and spindle pole associated protein 1; plus strand). Cytogenetic location: 8q13.2.
Variant type: single nucleotide variant.
Coding change: c.1027C>T on transcript NM_001382391.1 (MANE Select); coding-DNA position 1027, C replaced by T.
Protein change: p.Pro343Ser; replaces proline 343 with serine.
Molecular consequence: missense variant.
Genome position (GRCh38, 1-based): chr8:67,105,909, C>T. VCF-style: chr8-67105909-C-T. GRCh37 (hg19) VCF-style: chr8-68018144-C-T.
Other names: c.172C>T, p.Pro58Ser (NM_001291339.2); c.946C>T, p.Pro316Ser (NM_001363131.2, NM_001363133.2); c.1027C>T, p.Pro343Ser (NM_001363132.2); c.1135C>T, p.Pro379Ser (NM_001364869.1); c.955C>T, p.Pro319Ser (NM_001364870.1); c.1054C>T, p.Pro352Ser (NM_024790.7); short protein forms P319S, P352S, P58S, P316S, P343S, P379S.
Identifiers: ClinVar variation 1975998 (VCV001975998.5), dbSNP rs777179827, ClinGen allele CA4770423.